The following is an entry in ClinVar:

NM_004006.3(DMD):c.6614+7C>T

Gene: DMD (dystrophin; minus strand). Cytogenetic location: Xp21.1.
Variant type: single nucleotide variant.
Coding change: c.6614+7C>T on transcript NM_004006.3 (MANE Select); 7 bases into the intron after coding-DNA position 6614, C replaced by T.
Molecular consequence: intron variant.
Genome position (GRCh38, 1-based): chrX:31,968,332, G>A on the plus strand (C>T on the coding strand, the complement: DMD is on the minus strand). VCF-style: chrX-31968332-G-A. GRCh37 (hg19) VCF-style: chrX-31986449-G-A.
Other names: c.6590+7C>T (NM_000109.4); c.2591+7C>T (NM_004011.4); c.2582+7C>T (NM_004012.4); c.-767+7C>T (NM_004023.3, NM_004020.4, NM_004022.3 and 2 more transcripts); c.6602+7C>T (NM_004009.3); c.6245+7C>T (NM_004010.3).
Identifiers: ClinVar variation 290925 (VCV000290925.39), dbSNP rs180719577, ClinGen allele CA10378436.

ClinVar aggregate classification (germline): Conflicting classifications of pathogenicity. Review status: criteria provided, conflicting classifications (1 of 4 stars). 10 submissions from 10 submitters: Uncertain significance (1); Benign (1); Likely benign (4). 4 of the submissions do not count toward it. Last evaluated 2026-01-26.

Conditions:
Becker muscular dystrophy (BMD). Also called: Becker Muscular Dystrophy (BMD); MUSCULAR DYSTROPHY, PSEUDOHYPERTROPHIC PROGRESSIVE, BECKER TYPE. Identifiers: Orphanet 98895, MedGen C0917713, MONDO:0010311, OMIM 300376.
Dystrophin deficiency.
Duchenne muscular dystrophy (DMD). Also called: MUSCULAR DYSTROPHY, PSEUDOHYPERTROPHIC PROGRESSIVE, DUCHENNE TYPE; Duchenne Muscular Dystrophy (DMD). Identifiers: Orphanet 98896, MedGen C0013264, MONDO:0010679, OMIM 310200.
Cardiomyopathy (CMYO). Also called: Cardiomyopathies. Identifiers: Orphanet 167848, MedGen C0878544, MONDO:0004994, HP:0001638. Inheritance: Various modes of inheritance.
DMD-related disorder. Also called: DMD-related condition.

Allele frequency attached by ClinVar (database versions not stated): gnomAD 0.00003; TOPMed 0.00004; ESP Exome Variant Server 0.00009.
gnomAD v4.1: 128 of 1,207,069 alleles (0.011%); highest among the groups gnomAD compares: Middle Eastern, 0.12%; no homozygotes.

Submissions (10):

Labcorp Genetics (formerly Invitae), Labcorp
Classification: Benign for Duchenne muscular dystrophy. Last evaluated: 2026-01-26. Review status: criteria provided, single submitter. Criteria: Invitae Variant Classification Sherloc (09022015). Collection method: clinical testing. Allele origin: germline.

Molecular Diagnostic Laboratory for Inherited Cardiovascular Disease, Montreal Heart Institute
Classification: Likely benign. Last evaluated: 2025-04-09. Review status: criteria provided, single submitter. Criteria: ACMG Guidelines, 2015. Collection method: clinical testing. Allele origin: germline. Affected: no.

CeGaT Center for Human Genetics Tuebingen
Classification: Likely benign. Last evaluated: 2024-08-01. Review status: criteria provided, single submitter. Criteria: CeGaT Center For Human Genetics Tuebingen Variant Classification Criteria Version 2. Collection method: clinical testing. Allele origin: germline. Affected: yes. Observed: 1 variant allele.
Comment: DMD: BP4, BS2

Blueprint Genetics
Classification: Likely benign. Last evaluated: 2023-03-31. Review status: criteria provided, single submitter. Criteria: ACMG Guidelines, 2015. Collection method: clinical testing. Allele origin: germline.

GeneDx
Classification: Likely benign. Last evaluated: 2016-12-20. Review status: criteria provided, single submitter. Criteria: GeneDx Variant Classification (06012015). Collection method: clinical testing. Allele origin: germline. Affected: yes.
Comment: This variant is considered likely benign or benign based on one or more of the following criteria: it is a conservative change, it occurs at a poorly conserved position in the protein, it is predicted to be benign by multiple in silico algorithms, and/or has population frequency not consistent with disease.

Eurofins Ntd Llc (ga)
Classification: Uncertain significance. Last evaluated: 2016-08-24. Review status: criteria provided, single submitter. Criteria: EGL Classification Definitions 2015. Collection method: clinical testing. Allele origin: germline. Observed: 1 variant allele, 1 hemizygote.

PreventionGenetics, part of Exact Sciences
Classification: Likely benign for DMD-related condition. Last evaluated: 2019-09-25. Review status: no assertion criteria provided. Collection method: clinical testing. Allele origin: germline. Not counted in ClinVar's aggregate classification.
Comment: This variant is classified as likely benign based on ACMG/AMP sequence variant interpretation guidelines (Richards et al. 2015 PMID: 25741868, with internal and published modifications).

Natera, Inc.
Classification: Likely benign for Becker muscular dystrophy; Cardiomyopathy; Duchenne muscular dystrophy; Dystrophin deficiency. Last evaluated: 2017-11-16. Review status: no assertion criteria provided. Collection method: clinical testing. Allele origin: germline. Not counted in ClinVar's aggregate classification.

Diagnostic Laboratory, Department of Genetics, University Medical Center Groningen
Classification: Likely benign. Review status: no assertion criteria provided. Collection method: clinical testing. Allele origin: germline. Affected: yes. Study: VKGL Data-share Consensus. Not counted in ClinVar's aggregate classification.

Genome Diagnostics Laboratory, University Medical Center Utrecht
Classification: Likely benign. Review status: no assertion criteria provided. Collection method: clinical testing. Allele origin: germline. Affected: yes. Study: VKGL Data-share Consensus. Not counted in ClinVar's aggregate classification.